The following is an entry in ClinVar:

NM_001135649.3(FOXI3):c.94G>A (p.Ala32Thr)

Gene: FOXI3 (forkhead box I3; minus strand). Cytogenetic location: 2p11.2.
Variant type: single nucleotide variant.
Coding change: c.94G>A on transcript NM_001135649.3 (MANE Select); coding-DNA position 94, G replaced by A.
Protein change: p.Ala32Thr; replaces alanine 32 with threonine.
Molecular consequence: missense variant.
Genome position (GRCh38, 1-based): chr2:88,452,442, C>T on the plus strand (G>A on the coding strand, the complement: FOXI3 is on the minus strand). VCF-style: chr2-88452442-C-T. GRCh37 (hg19) VCF-style: chr2-88751960-C-T.
Other names: short protein forms A32T.
Identifiers: ClinVar variation 2104134 (VCV002104134.4), dbSNP rs2528917865, ClinGen allele CA347767070.

ClinVar aggregate classification (germline): Uncertain significance (1 of 4 stars; one submission).

Allele frequency attached by ClinVar (database versions not stated): gnomAD exomes below 0.00001.

Submission:

Labcorp Genetics (formerly Invitae), Labcorp
Classification: Uncertain significance. Last evaluated: 2022-02-27. Review status: criteria provided, single submitter. Criteria: Invitae Variant Classification Sherloc (09022015). Collection method: clinical testing. Allele origin: germline.
Comment: In summary, the available evidence is currently insufficient to determine the role of this variant in disease. Therefore, it has been classified as a Variant of Uncertain Significance. Experimental studies and prediction algorithms are not available or were not evaluated, and the functional significance of this variant is currently unknown. This variant has not been reported in the literature in individuals affected with FOXI3-related conditions. The frequency data for this variant in the population databases is considered unreliable, as metrics indicate insufficient coverage at this position in the gnomAD database. This sequence change replaces alanine, which is neutral and non-polar, with threonine, which is neutral and polar, at codon 32 of the FOXI3 protein (p.Ala32Thr).